The following is an entry in ClinVar:

NM_000455.5(STK11):c.862G>T (p.Gly288Trp)

Gene: STK11 (serine/threonine kinase 11; plus strand). Cytogenetic location: 19p13.3.
Variant type: single nucleotide variant.
Coding change: c.862G>T on transcript NM_000455.5 (MANE Select); coding-DNA position 862, G replaced by T.
Protein change: p.Gly288Trp; replaces glycine 288 with tryptophan.
Molecular consequence: missense variant. On other transcripts: non-coding transcript variant (1).
Genome position (GRCh38, 1-based): chr19:1,221,340, G>T. VCF-style: chr19-1221340-G-T. GRCh37 (hg19) VCF-style: chr19-1221339-G-T.
Other names: c.862G>T, p.Gly288Trp (NM_001407255.1); short protein forms G288W.
Identifiers: ClinVar variation 3630974 (VCV003630974.2).

ClinVar aggregate classification (germline): Uncertain significance (1 of 4 stars; one submission).

Conditions:
Peutz-Jeghers syndrome (PJS). Also called: POLYPOSIS, HAMARTOMATOUS INTESTINAL; POLYPS-AND-SPOTS SYNDROME; Peutz-Jeghers polyposis; Periorificial lentiginosis syndrome. Identifiers: Orphanet 2869, MedGen C0031269, MeSH D010580, MONDO:0008280, OMIM 175200.

Submission:

Labcorp Genetics (formerly Invitae), Labcorp
Classification: Uncertain significance for Peutz-Jeghers syndrome. Last evaluated: 2024-04-03. Review status: criteria provided, single submitter. Criteria: Invitae Variant Classification Sherloc (09022015). Collection method: clinical testing. Allele origin: germline.
Comment: This sequence change replaces glycine, which is neutral and non-polar, with tryptophan, which is neutral and slightly polar, at codon 288 of the STK11 protein (p.Gly288Trp). This variant also falls at the last nucleotide of exon 6, which is part of the consensus splice site for this exon. This variant is not present in population databases (gnomAD no frequency). This variant has not been reported in the literature in individuals affected with STK11-related conditions. An algorithm developed to predict the effect of missense changes on protein structure and function (PolyPhen-2) suggests that this variant is likely to be disruptive. Variants that disrupt the consensus splice site are a relatively common cause of aberrant splicing (PMID: 17576681, 9536098). Algorithms developed to predict the effect of sequence changes on RNA splicing suggest that this variant may disrupt the consensus splice site. In summary, the available evidence is currently insufficient to determine the role of this variant in disease. Therefore, it has been classified as a Variant of Uncertain Significance.

Literature cited by the submitters: PubMed 17576681; PubMed 9536098.